The following is an entry in ClinVar:

NM_018192.4(P3H2):c.335C>G (p.Ser112Cys)

Genes: P3H2 (prolyl 3-hydroxylase 2; minus strand), LOC129938149 (ATAC-STARR-seq lymphoblastoid silent region 14999; plus strand). Cytogenetic location: 3q28.
Variant type: single nucleotide variant.
Coding change: c.335C>G on transcript NM_018192.4 (MANE Select); coding-DNA position 335, C replaced by G.
Protein change: p.Ser112Cys; replaces serine 112 with cysteine.
Molecular consequence: missense variant. On other transcripts: intron variant (1).
Genome position (GRCh38, 1-based): chr3:190,120,397, G>C on the plus strand (C>G on the coding strand, the complement: P3H2 is on the minus strand). VCF-style: chr3-190120397-G-C. GRCh37 (hg19) VCF-style: chr3-189838186-G-C.
Other names: c.-64+1806C>G (NM_001134418.2); short protein forms S112C.
Identifiers: ClinVar variation 858773 (VCV000858773.7), dbSNP rs1016510829, ClinGen allele CA90197207.

ClinVar aggregate classification (germline): Uncertain significance (1 of 4 stars; one submission).

Allele frequency attached by ClinVar (database versions not stated): TOPMed 0.00002; gnomAD 0.00001.
gnomAD v4.1: 8 of 1,543,478 alleles (0.00052%); highest among the groups gnomAD compares: Non-Finnish European, 0.0007%; no homozygotes.

Submission:

Labcorp Genetics (formerly Invitae), Labcorp
Classification: Uncertain significance. Last evaluated: 2024-11-05. Review status: criteria provided, single submitter. Criteria: Invitae Variant Classification Sherloc (09022015). Collection method: clinical testing. Allele origin: germline.
Comment: This sequence change replaces serine, which is neutral and polar, with cysteine, which is neutral and slightly polar, at codon 112 of the P3H2 protein (p.Ser112Cys). This variant is not present in population databases (gnomAD no frequency). This variant has not been reported in the literature in individuals affected with P3H2-related conditions. ClinVar contains an entry for this variant (Variation ID: 858773). Invitae Evidence Modeling of protein sequence and biophysical properties (such as structural, functional, and spatial information, amino acid conservation, physicochemical variation, residue mobility, and thermodynamic stability) indicates that this missense variant is not expected to disrupt P3H2 protein function with a negative predictive value of 80%. In summary, the available evidence is currently insufficient to determine the role of this variant in disease. Therefore, it has been classified as a Variant of Uncertain Significance.